The following is an entry in ClinVar:

ClinVar aggregate classification (germline): Likely pathogenic (0 of 4 stars; one submission).

Conditions:
Cornelia de Lange syndrome 1 (CDLS1). Also called: NIPBL-Related Cornelia de Lange Syndrome; TYPUS DEGENERATIVUS AMSTELODAMENSIS; Brachmann de Lange syndrome. Identifiers: Orphanet 199, MedGen C4551851, MONDO:0007387, OMIM 122470.

Submission:

Department of Genetics, Rouen University Hospital, Normandy Center for Genomic and Personalized Medicine
Classification: Likely pathogenic for Cornelia de Lange syndrome 1. Review status: no assertion criteria provided. Collection method: clinical testing. Allele origin: de novo. Inheritance: Sporadic. Affected: yes. Observed: 1 heterozygote.
Comment: This variant is absent from the gnomAD database. The variant is predicted to affect splicing by creating a novel splice-donor site according to MaxEntScan, NNSPLICE, GeneSplicer and SpliceSiteFinder-like. The SpliceAI tool predicted a donor gain with a Δ score of 0.19 (Delta scores range from 0 to 1 and a detailed characterization is provided for 0.2, 0.5, 0.8 cutoffs). In the vicinity of this variant, several putative cryptic splice acceptor sites are also predicted in both wild-type and mutant contexts, of which at least one could be used, allowing the creation of a new cryptic exon between natural exons 32 and 33. We performed RNAseq from proband’s whole blood collected in a Paxgene tube. Following RNAseq, NIPBL analysis of aligned reads showed the presence of abnormal splice products mapping to intron 32 at the expected positions, showing the inclusion of the predicted 118 bp-cryptic exon, with aberrant junctions both to exon 32 and exon 33 (chr5: 37,030,882_37,030,999). The neo-exon inclusion was further confirmed by RT-PCR and cDNA sequencing. This insertion is out of frame and results in a premature stop codon (r.5862_5863ins118, p.Asn1954fs*50).

NM_133433.4(NIPBL):c.5862+3487C>T

Gene: NIPBL (NIPBL cohesin loading factor; plus strand). Cytogenetic location: 5p13.2.
Variant type: single nucleotide variant.
Coding change: c.5862+3487C>T on transcript NM_133433.4 (MANE Select); 3487 bases into the intron after coding-DNA position 5862, C replaced by T.
Molecular consequence: intron variant.
Genome position (GRCh38, 1-based): chr5:37,030,899, C>T. VCF-style: chr5-37030899-C-T. GRCh37 (hg19) VCF-style: chr5-37031001-C-T.
Other names: c.5862+3487C>T (NM_015384.5).
Identifiers: ClinVar variation 1301906 (VCV001301906.3), dbSNP rs2149710327, ClinGen allele CA2573052504.
Genomic context (GRCh38, chr5:37,030,899, plus strand): 5'-CAACCTCCCTGGCTCAAGCAGTCCTCTTTCCTCAGCCTCCCAAGTAGCTGGAACCACAGG[C>T]ATGCACCACCATGTTTAGCCTTTTTTTTTTTTTTTTTTTTTTTTGAGACAGGATGTCACT-3'